The following is an entry in ClinVar:

NM_000368.5(TSC1):c.120G>A (p.Met40Ile)

Gene: TSC1 (TSC complex subunit 1; minus strand). Cytogenetic location: 9q34.13.
Variant type: single nucleotide variant.
Coding change: c.120G>A on transcript NM_000368.5 (MANE Select); coding-DNA position 120, G replaced by A.
Protein change: p.Met40Ile; replaces methionine 40 with isoleucine.
Molecular consequence: missense variant. On other transcripts: intron variant (1).
Genome position (GRCh38, 1-based): chr9:132,927,291, C>T on the plus strand (G>A on the coding strand, the complement: TSC1 is on the minus strand). VCF-style: chr9-132927291-C-T. GRCh37 (hg19) VCF-style: chr9-135802678-C-T.
Other names: c.120G>A, p.Met40Ile (NM_001162426.2, NM_001162427.2); c.-154+1476G>A (NM_001362177.2); short protein forms M40I.
Identifiers: ClinVar variation 649222 (VCV000649222.8), dbSNP rs1480174819, ClinGen allele CA375375215.

ClinVar aggregate classification (germline): Uncertain significance (1 of 4 stars; one submission).

Conditions:
Tuberous sclerosis 1 (TSC1). Identifiers: Orphanet 805, MedGen C1854465, MONDO:0008612, OMIM 191100.

Submission:

Labcorp Genetics (formerly Invitae), Labcorp
Classification: Uncertain significance for Tuberous sclerosis 1. Last evaluated: 2018-09-17. Review status: criteria provided, single submitter. Criteria: Invitae Variant Classification Sherloc (09022015). Collection method: clinical testing. Allele origin: germline.
Comment: In summary, the available evidence is currently insufficient to determine the role of this variant in disease. Therefore, it has been classified as a Variant of Uncertain Significance. Algorithms developed to predict the effect of missense changes on protein structure and function (SIFT, PolyPhen-2, Align-GVGD) all suggest that this variant is likely to be tolerated, but these predictions have not been confirmed by published functional studies and their clinical significance is uncertain. This variant has not been reported in the literature in individuals with TSC1-related disease. This variant is not present in population databases (ExAC no frequency). This sequence change replaces methionine with isoleucine at codon 40 of the TSC1 protein (p.Met40Ile). The methionine residue is moderately conserved and there is a small physicochemical difference between methionine and isoleucine.